The following is an entry in ClinVar:

ClinVar aggregate classification (germline): Conflicting classifications of pathogenicity. Review status: criteria provided, conflicting classifications (1 of 4 stars). 5 submissions from 5 submitters: Uncertain significance (2); Likely benign (3). Last evaluated 2024-06-10.

Conditions:
Familial cancer of breast. Also called: hereditary breast carcinoma; Hereditary breast cancer; BREAST CANCER, FAMILIAL. Identifiers: Orphanet 227535, MedGen C0346153, MONDO:0016419, OMIM 114480. Disease mechanism: loss of function.
Hereditary cancer-predisposing syndrome. Also called: Hereditary neoplastic syndrome; Hereditary Cancer Syndrome; Neoplastic Syndromes, Hereditary; Tumor predisposition. Identifiers: Orphanet 140162, MedGen C0027672, MeSH D009386, MONDO:0015356.
Ataxia-telangiectasia syndrome (AT). Also called: Ataxia-telangiectasia, complementation group D; Cerebello-oculocutaneous telangiectasia; Immunodeficiency with ataxia telangiectasia; ATAXIA-TELANGIECTASIA, COMPLEMENTATION GROUP A; ATAXIA-TELANGIECTASIA, FRESNO VARIANT; LOUIS-BAR SYNDROME. Identifiers: Orphanet 100, MedGen C0004135, MONDO:0008840, OMIM 208900.

Allele frequency attached by ClinVar (database versions not stated): TOPMed 0.00001.
gnomAD v4.1: 1 of 1,601,554 alleles (0.000062%); highest among the groups gnomAD compares: Non-Finnish European, 0.000085%; no homozygotes.

Submissions (5):

Labcorp Genetics (formerly Invitae), Labcorp
Classification: Likely benign for Ataxia-telangiectasia syndrome. Last evaluated: 2024-06-10. Review status: criteria provided, single submitter. Criteria: Invitae Variant Classification Sherloc (09022015). Collection method: clinical testing. Allele origin: germline.

Myriad Genetics, Inc.
Classification: Likely benign for Familial cancer of breast. Last evaluated: 2024-05-07. Review status: criteria provided, single submitter. Criteria: Myriad Autosomal Dominant, Autosomal Recessive and X-Linked Classification Criteria (2023). Collection method: clinical testing. Allele origin: unknown.
Comment: This variant is considered likely benign. This variant is intronic and is not expected to impact mRNA splicing.

Ambry Genetics
Classification: Likely benign for Hereditary cancer-predisposing syndrome. Last evaluated: 2023-03-10. Review status: criteria provided, single submitter. Criteria: Ambry Variant Classification Scheme 2023. Collection method: clinical testing. Allele origin: germline.

Color Diagnostics, LLC DBA Color Health
Classification: Uncertain significance for Hereditary cancer-predisposing syndrome. Last evaluated: 2018-08-10. Review status: criteria provided, single submitter. Criteria: ACMG Guidelines, 2015. Collection method: clinical testing. Allele origin: germline.

GeneDx
Classification: Uncertain significance. Last evaluated: 2016-09-15. Review status: criteria provided, single submitter. Criteria: GeneDx Variant Classification (06012015). Collection method: clinical testing. Allele origin: germline. Affected: yes.
Comment: This variant is denoted ATM c.2125-4T>C or IVS13-4T>C and consists of a T>C nucleotide substitution at the -4 position of intron 13 of the ATM gene. This variant has not, to our knowledge, been published in the literature as pathogenic or benign. ATM c.2125-4T>C was not observed in approximately 6,500 individuals of European and African American ancestry in the NHLBI Exome Sequencing Project, suggesting it is not a common benign variant in these populations. The thymine (T) nucleotide that is altered is not conserved across species. In silico models are inconclusive with respect to splicing, but in the absence of RNA or functional studies, the actual effect of this variant is unknown. Based on currently available information, it is unclear whether ATM c.2125-4T>C is pathogenic or benign. We consider it to be a variant of uncertain significance.

NM_000051.4(ATM):c.2125-4T>C

Gene: ATM (ATM serine/threonine kinase; plus strand). Cytogenetic location: 11q22.3.
Variant type: single nucleotide variant.
Coding change: c.2125-4T>C on transcript NM_000051.4 (MANE Select); 4 bases into the intron before coding-DNA position 2125, T replaced by C.
Molecular consequence: intron variant.
Genome position (GRCh38, 1-based): chr11:108,256,211, T>C. VCF-style: chr11-108256211-T-C. GRCh37 (hg19) VCF-style: chr11-108126938-T-C.
Other names: c.2125-4T>C (NM_001351834.2).
Identifiers: ClinVar variation 422199 (VCV000422199.15), dbSNP rs1064795623, ClinGen allele CA16619133.